The following is an entry in ClinVar:

NM_000043.6(FAS):c.175T>A (p.Cys59Ser)

Gene: FAS (Fas cell surface death receptor; plus strand). Cytogenetic location: 10q23.31.
Variant type: single nucleotide variant.
Coding change: c.175T>A on transcript NM_000043.6 (MANE Select); coding-DNA position 175, T replaced by A.
Protein change: p.Cys59Ser; replaces cysteine 59 with serine.
Molecular consequence: missense variant. On other transcripts: non-coding transcript variant (7).
Genome position (GRCh38, 1-based): chr10:89,003,173, T>A. VCF-style: chr10-89003173-T-A. GRCh37 (hg19) VCF-style: chr10-90762930-T-A.
Other names: c.175T>A, p.Cys59Ser (NM_001320619.2, NM_152871.4, NM_152872.4); c.220T>A, p.Cys74Ser (NM_001410956.1); short protein forms C74S, C59S.
Identifiers: ClinVar variation 2762517 (VCV002762517.3), dbSNP rs2495023352, ClinGen allele CA377507726.
Genomic context (GRCh38, chr10:89,003,173, plus strand): 5'-AAGACTGTTACTACAGTTGAGACTCAGAACTTGGAAGGCCTGCATCATGATGGCCAATTC[T>A]GCCATAAGCCCTGTCCTCCAGGTATGTTACACAAAACATCCAGAGATTACAGTGAAAGTC-3'
Protein context (NP_000034.1, residues 49-69): LEGLHHDGQF[Cys59Ser]HKPCPPGERK

ClinVar aggregate classification (germline): Uncertain significance (1 of 4 stars; one submission).

Conditions:
Autoimmune lymphoproliferative syndrome type 1. Also called: AUTOIMMUNE LYMPHOPROLIFERATIVE SYNDROME, TYPE I, AUTOSOMAL DOMINANT. Identifiers: Orphanet 3261, MedGen C2717884, MONDO:0011158, OMIM 601859.

Submission:

Labcorp Genetics (formerly Invitae), Labcorp
Classification: Uncertain significance for Autoimmune lymphoproliferative syndrome. Last evaluated: 2023-09-22. Review status: criteria provided, single submitter. Criteria: Invitae Variant Classification Sherloc (09022015). Collection method: clinical testing. Allele origin: germline.
Comment: In summary, the available evidence is currently insufficient to determine the role of this variant in disease. Therefore, it has been classified as a Variant of Uncertain Significance. Advanced modeling of protein sequence and biophysical properties (such as structural, functional, and spatial information, amino acid conservation, physicochemical variation, residue mobility, and thermodynamic stability) performed at Invitae indicates that this missense variant is expected to disrupt FAS protein function. This variant has not been reported in the literature in individuals affected with FAS-related conditions. This variant is not present in population databases (gnomAD no frequency). This sequence change replaces cysteine, which is neutral and slightly polar, with serine, which is neutral and polar, at codon 59 of the FAS protein (p.Cys59Ser).